The following is an entry in ClinVar:

NM_000321.3(RB1):c.549del (p.Glu184fs)

Gene: RB1 (RB transcriptional corepressor 1; plus strand). Cytogenetic location: 13q14.2.
Variant type: Deletion.
Coding change: c.549del on transcript NM_000321.3 (MANE Select); coding-DNA position 549, one base deleted (T; older notation c.549delT).
Protein change: p.Glu184fs; shifts the reading frame from glutamic acid 184.
Molecular consequence: frameshift variant.
Genome position (GRCh38, 1-based): chr13:48,348,965, T deleted. VCF-style (leftmost placement, unchanged base first): chr13-48348964-CT-C. GRCh37 (hg19) VCF-style: chr13-48923100-CT-C.
Other names: c.549delT (NM_000321.2); short protein forms E184fs.
Identifiers: ClinVar variation 428710 (VCV000428710.3), dbSNP rs1131690887, ClinGen allele CA645369531.

ClinVar aggregate classification (germline): Pathogenic (1 of 4 stars; one submission).

Conditions:
Hereditary cancer-predisposing syndrome. Also called: Hereditary Cancer Syndrome; Neoplastic Syndromes, Hereditary; Hereditary neoplastic syndrome; Tumor predisposition. Identifiers: Orphanet 140162, MedGen C0027672, MeSH D009386, MONDO:0015356.

Submission:

Ambry Genetics
Classification: Pathogenic for Hereditary cancer-predisposing syndrome. Last evaluated: 2015-05-07. Review status: criteria provided, single submitter. Criteria: Ambry Autosomal Dominant and X-Linked criteria (10/2015). Collection method: clinical testing. Allele origin: germline. Observed: 1 variant allele.
Comment: The c.549delT pathogenic mutation, located in coding exon 6 of the RB1 gene, results from a deletion of one nucleotide at nucleotide position 549, causing a translational frameshift with a predicted alternate stop codon. Since frameshifts are typically deleterious in nature, this alteration is interpreted as a disease-causing mutation (ACMG Recommendations for Standards for Interpretation and Reporting of Sequence Variations. Revision 2007. Genet Med. 2008;10:294).